The following is an entry in ClinVar:

ClinVar aggregate classification (germline): Uncertain significance (1 of 4 stars; one submission).

Submission:

Labcorp Genetics (formerly Invitae), Labcorp
Classification: Uncertain significance. Last evaluated: 2023-02-10. Review status: criteria provided, single submitter. Criteria: Invitae Variant Classification Sherloc (09022015). Collection method: clinical testing. Allele origin: germline.
Comment: Advanced modeling of protein sequence and biophysical properties (such as structural, functional, and spatial information, amino acid conservation, physicochemical variation, residue mobility, and thermodynamic stability) performed at Invitae indicates that this missense variant is not expected to disrupt TRRAP protein function. This sequence change replaces asparagine, which is neutral and polar, with aspartic acid, which is acidic and polar, at codon 703 of the TRRAP protein (p.Asn703Asp). This variant is not present in population databases (gnomAD no frequency). This variant has not been reported in the literature in individuals affected with TRRAP-related conditions. In summary, the available evidence is currently insufficient to determine the role of this variant in disease. Therefore, it has been classified as a Variant of Uncertain Significance.

NM_001375524.1(TRRAP):c.2107A>G (p.Asn703Asp)

Gene: TRRAP (transformation/transcription domain associated protein; plus strand). Cytogenetic location: 7q22.1.
Variant type: single nucleotide variant.
Coding change: c.2107A>G on transcript NM_001375524.1 (MANE Select); coding-DNA position 2107, A replaced by G.
Protein change: p.Asn703Asp; replaces asparagine 703 with aspartic acid.
Molecular consequence: missense variant.
Genome position (GRCh38, 1-based): chr7:98,912,121, A>G. VCF-style: chr7-98912121-A-G. GRCh37 (hg19) VCF-style: chr7-98509744-A-G.
Other names: c.2107A>G, p.Asn703Asp (NM_001244580.2, NM_003496.4); short protein forms N703D.
Identifiers: ClinVar variation 2812559 (VCV002812559.3), dbSNP rs2484719394, ClinGen allele CA368288544.